The following is an entry in ClinVar:

ClinVar aggregate classification (germline): Uncertain significance (1 of 4 stars; one submission).

Conditions:
Chédiak-Higashi syndrome (CHS). Also called: Chediak-Higashi Syndrome. Identifiers: Orphanet 167, MedGen C0007965, MONDO:0008963, OMIM 214500.

Allele frequency attached by ClinVar (database versions not stated): gnomAD exomes below 0.00001.
gnomAD v4.1: 2 of 1,613,994 alleles (0.00012%); highest among the groups gnomAD compares: East Asian, 0.0022%; no homozygotes.

Submission:

Labcorp Genetics (formerly Invitae), Labcorp
Classification: Uncertain significance for Chédiak-Higashi syndrome. Last evaluated: 2022-07-19. Review status: criteria provided, single submitter. Criteria: Invitae Variant Classification Sherloc (09022015). Collection method: clinical testing. Allele origin: germline.
Comment: In summary, the available evidence is currently insufficient to determine the role of this variant in disease. Therefore, it has been classified as a Variant of Uncertain Significance. Algorithms developed to predict the effect of missense changes on protein structure and function output the following: SIFT: "Tolerated"; PolyPhen-2: "Benign"; Align-GVGD: "Class C0". The valine amino acid residue is found in multiple mammalian species, which suggests that this missense change does not adversely affect protein function. ClinVar contains an entry for this variant (Variation ID: 1379460). This variant has not been reported in the literature in individuals affected with LYST-related conditions. This variant is present in population databases (rs762907395, gnomAD 0.0009%). This sequence change replaces isoleucine, which is neutral and non-polar, with valine, which is neutral and non-polar, at codon 550 of the LYST protein (p.Ile550Val).

NM_000081.4(LYST):c.1648A>G (p.Ile550Val)

Gene: LYST (lysosomal trafficking regulator; minus strand). Cytogenetic location: 1q42.3.
Variant type: single nucleotide variant.
Coding change: c.1648A>G on transcript NM_000081.4 (MANE Select); coding-DNA position 1648, A replaced by G.
Protein change: p.Ile550Val; replaces isoleucine 550 with valine.
Molecular consequence: missense variant.
Genome position (GRCh38, 1-based): chr1:235,809,170, T>C on the plus strand (A>G on the coding strand, the complement: LYST is on the minus strand). VCF-style: chr1-235809170-T-C. GRCh37 (hg19) VCF-style: chr1-235972470-T-C.
Other names: c.1648A>G, p.Ile550Val (NM_001301365.1); short protein forms I550V.
Identifiers: ClinVar variation 1379460 (VCV001379460.3), dbSNP rs762907395, ClinGen allele CA1467435.